The following is an entry in ClinVar:

NM_001267550.2(TTN):c.98862dup (p.Thr32955fs)

Genes: TTN (titin; minus strand), TTN-AS1 (TTN antisense RNA 1; plus strand). Cytogenetic location: 2q31.2.
Variant type: Duplication.
Coding change: c.98862dup on transcript NM_001267550.2 (MANE Select); coding-DNA position 98862, one base duplicated (C; older notation c.98862dupC).
Protein change: p.Thr32955fs; shifts the reading frame from threonine 32955.
Molecular consequence: frameshift variant. On other transcripts: non-coding transcript variant (1).
Genome position (GRCh38, 1-based): chr2:178,539,073, G duplicated on the plus strand (C on the coding strand, the reverse complement: TTN is on the minus strand); the first of 2 consecutive G bases (chr2:178,539,073-178,539,074); duplicating either gives the same sequence. VCF-style (leftmost placement, unchanged base first): chr2-178539072-T-TG. GRCh37 (hg19) VCF-style: chr2-179403799-T-TG.
Other names: c.93939dup, p.Thr31314fs (NM_001256850.1); c.71667dup, p.Thr23890fs (NM_003319.4); c.91158dup, p.Thr30387fs (NM_133378.4); c.72042dup, p.Thr24015fs (NM_133432.3); c.72243dup, p.Thr24082fs (NM_133437.4); short protein forms T23890fs, T24015fs, T24082fs, T30387fs, T31314fs, T32955fs.
Identifiers: ClinVar variation 3760223 (VCV003760223.2).

ClinVar aggregate classification (germline): Likely pathogenic (1 of 4 stars; one submission).

Conditions:
Dilated cardiomyopathy 1G (CMD1G). Identifiers: Orphanet 154, MedGen C1858763, MONDO:0011400, OMIM 604145.
Autosomal recessive limb-girdle muscular dystrophy type 2J (LGMDR10). Also called: Limb-girdle muscular dystrophy, type 2J; MUSCULAR DYSTROPHY, LIMB-GIRDLE, AUTOSOMAL RECESSIVE 10. Identifiers: Orphanet 140922, MedGen C1837342, MONDO:0012127, OMIM 608807.

Submission:

Labcorp Genetics (formerly Invitae), Labcorp
Classification: Likely pathogenic for Dilated cardiomyopathy 1G; Autosomal recessive limb-girdle muscular dystrophy type 2J. Last evaluated: 2025-01-01. Review status: criteria provided, single submitter. Criteria: Invitae Variant Classification Sherloc (09022015). Collection method: clinical testing. Allele origin: germline.
Comment: This sequence change creates a premature translational stop signal (p.Thr32955Hisfs*13) in the TTN gene. While this is not anticipated to result in nonsense mediated decay, it is expected to create a truncated TTN protein. This variant is not present in population databases (gnomAD no frequency). This variant has not been reported in the literature in individuals affected with TTN-related conditions. This variant is located in the A band of TTN (PMID: 25589632). Truncating variants in this region are significantly overrepresented in patients affected with dilated cardiomyopathy (PMID: 25589632). Truncating variants in this region have also been reported in individuals affected with autosomal recessive centronuclear myopathy (PMID: 23975875). In summary, the currently available evidence indicates that the variant is pathogenic, but additional data are needed to prove that conclusively. Therefore, this variant has been classified as Likely Pathogenic.

Literature cited by the submitters: PubMed 25589632; PubMed 23975875.